The following is an entry in ClinVar:

NM_001375524.1(TRRAP):c.2062A>T (p.Ile688Phe)

Gene: TRRAP (transformation/transcription domain associated protein; plus strand). Cytogenetic location: 7q22.1.
Variant type: single nucleotide variant.
Coding change: c.2062A>T on transcript NM_001375524.1 (MANE Select); coding-DNA position 2062, A replaced by T.
Protein change: p.Ile688Phe; replaces isoleucine 688 with phenylalanine.
Molecular consequence: missense variant.
Genome position (GRCh38, 1-based): chr7:98,912,076, A>T. VCF-style: chr7-98912076-A-T. GRCh37 (hg19) VCF-style: chr7-98509699-A-T.
Other names: c.2062A>T, p.Ile688Phe (NM_001244580.2, NM_003496.4); short protein forms I688F.
Identifiers: ClinVar variation 3679205 (VCV003679205.2).

ClinVar aggregate classification (germline): Uncertain significance (1 of 4 stars; one submission).

Submission:

Labcorp Genetics (formerly Invitae), Labcorp
Classification: Uncertain significance. Last evaluated: 2024-10-06. Review status: criteria provided, single submitter. Criteria: Invitae Variant Classification Sherloc (09022015). Collection method: clinical testing. Allele origin: germline.
Comment: This sequence change replaces isoleucine, which is neutral and non-polar, with phenylalanine, which is neutral and non-polar, at codon 688 of the TRRAP protein (p.Ile688Phe). This variant is not present in population databases (gnomAD no frequency). This variant has not been reported in the literature in individuals affected with TRRAP-related conditions. Invitae Evidence Modeling of protein sequence and biophysical properties (such as structural, functional, and spatial information, amino acid conservation, physicochemical variation, residue mobility, and thermodynamic stability) indicates that this missense variant is expected to disrupt TRRAP protein function with a positive predictive value of 80%. In summary, the available evidence is currently insufficient to determine the role of this variant in disease. Therefore, it has been classified as a Variant of Uncertain Significance.